The following is an entry in ClinVar:

ClinVar aggregate classification (germline): Uncertain significance (1 of 4 stars; one submission).

Allele frequency attached by ClinVar (database versions not stated): TOPMed 0.00001; gnomAD exomes below 0.00001; gnomAD 0.00001.
gnomAD v4.1: 5 of 1,546,502 alleles (0.00032%); highest among the groups gnomAD compares: Non-Finnish European, 0.00043%; no homozygotes.

Submission:

Labcorp Genetics (formerly Invitae), Labcorp
Classification: Uncertain significance. Last evaluated: 2020-12-31. Review status: criteria provided, single submitter. Criteria: Invitae Variant Classification Sherloc (09022015). Collection method: clinical testing. Allele origin: germline.
Comment: Algorithms developed to predict the effect of missense changes on protein structure and function are either unavailable or do not agree on the potential impact of this missense change (SIFT: "Deleterious"; PolyPhen-2: "Possibly Damaging"; Align-GVGD: "Class C0"). This variant has not been reported in the literature in individuals with DGKZ-related conditions. The frequency data for this variant in the population databases is considered unreliable, as metrics indicate insufficient coverage at this position in the ExAC database. This sequence change replaces arginine with tryptophan at codon 185 of the DGKZ protein (p.Arg185Trp). The arginine residue is moderately conserved and there is a moderate physicochemical difference between arginine and tryptophan. In summary, the available evidence is currently insufficient to determine the role of this variant in disease. Therefore, it has been classified as a Variant of Uncertain Significance.

NM_001199267.2(DGKZ):c.162-482C>T

Gene: DGKZ (diacylglycerol kinase zeta; plus strand). Cytogenetic location: 11p11.2.
Variant type: single nucleotide variant.
Coding change: c.162-482C>T on transcript NM_001199267.2 (MANE Select); 482 bases into the intron before coding-DNA position 162, C replaced by T.
Molecular consequence: intron variant. On other transcripts: missense variant (1).
Genome position (GRCh38, 1-based): chr11:46,366,809, C>T. VCF-style: chr11-46366809-C-T. GRCh37 (hg19) VCF-style: chr11-46388359-C-T.
Other names: c.553C>T, p.Arg185Trp (NM_001105540.2); c.213-482C>T (NM_201532.3); c.177-482C>T (NM_201533.3); c.162-482C>T (NM_001199266.2, NM_003646.4, NM_001199268.2); short protein forms R185W.
Identifiers: ClinVar variation 1513583 (VCV001513583.8), dbSNP rs1355725413, ClinGen allele CA380211909.